The following is an entry in ClinVar:

NM_000091.5(COL4A3):c.4137_4153+1del

Genes: COL4A3 (collagen type IV alpha 3 chain; plus strand), MFF-DT (MFF divergent transcript; minus strand). Cytogenetic location: 2q36.3.
Variant type: Deletion.
Coding change: c.4137_4153+1del on transcript NM_000091.5 (MANE Select); coding-DNA position 4137 through the canonical splice donor site of the intron after coding-DNA position 4153, 18 bases deleted (GCCACCTGGAAACCTAGG).
Molecular consequence: splice donor variant.
Genome position (GRCh38, 1-based): chr2:227,304,128-227,304,145, GCCACCTGGAAACCTAGG deleted; deleting any 18 consecutive bases within chr2:227,304,125-227,304,145 gives the same sequence; the c. name uses the placement nearest the transcript's 3' end. VCF-style (leftmost placement, unchanged base first): chr2-227304124-CAGGGCCACCTGGAAACCT-C. GRCh37 (hg19) VCF-style: chr2-228168840-CAGGGCCACCTGGAAACCT-C.
Other names: c.4137_4153+1del (NM_000091.4).
Identifiers: ClinVar variation 2439357 (VCV002439357.5), dbSNP rs758046482, ClinGen allele CA2147446.
Genomic context (GRCh38, chr2:227,304,124, plus strand): 5'-GAAGCCCAGGGCCACCTGGCACACCTGGAGAACCAGGGATGCAGGGAGAACCTGGGCCAC[CAGGGCCACCTGGAAACCT>C]AGGTGTGGGACTGGCAGCATTGACTTGGATCACTAGGAAGTGGTTGAACCAAAATACCTG-3'

ClinVar aggregate classification (germline): Likely pathogenic. Review status: criteria provided, multiple submitters, no conflicts (2 of 4 stars). 2 submissions from 2 submitters: Likely pathogenic (2). Last evaluated 2025-02-24.

Conditions:
Alport syndrome. Also called: Hemorrhagic familial nephritis; Hemorrhagic hereditary nephritis; Congenital hereditary hematuria. Identifiers: Orphanet 63, MedGen C1567741, MONDO:0018965.

Submissions (2):

Natera, Inc.
Classification: Likely pathogenic for Alport syndrome. Last evaluated: 2025-02-24. Review status: criteria provided, single submitter. Criteria: Natera Variant Classification Schema (03/2026). Collection method: clinical testing. Allele origin: germline.
Comment: The c.4137_4153+1del variant in COL4A3 is a canonical splice donor site variant predicted to affect pre-mRNA splicing, which may result in an abnormal transcript and altered protein product. This variant is rare in the general population with a frequency below the threshold expected for the associated phenotype(s). This variant is located in a functionally critical region of the protein. This variant results in a change to the protein length while preserving reading frame, which may disrupt normal protein structure or function. Given the available evidence, this variant is classified as Likely Pathogenic.

Revvity Omics, Revvity
Classification: Likely pathogenic. Last evaluated: 2022-12-06. Review status: criteria provided, single submitter. Criteria: ACMG Guidelines, 2015. Collection method: clinical testing. Allele origin: germline.